The following is an entry in ClinVar:

ClinVar aggregate classification (germline): Uncertain significance (1 of 4 stars; one submission).

Conditions:
Familial thoracic aortic aneurysm and aortic dissection (TAAD). Also called: Thoracic aortic aneurysms and dissections. Identifiers: Orphanet 91387, MedGen C4707243, MONDO:0019625.

Submission:

Ambry Genetics
Classification: Uncertain significance for Familial thoracic aortic aneurysm and aortic dissection. Last evaluated: 2026-02-24. Review status: criteria provided, single submitter. Criteria: Ambry Variant Classification Scheme 2023. Collection method: clinical testing. Allele origin: germline.
Comment: The p.S280A variant (also known as c.838T>G), located in coding exon 5 of the TGFBR1 gene, results from a T to G substitution at nucleotide position 838. The serine at codon 280 is replaced by alanine, an amino acid with similar properties. This amino acid position is conserved. In addition, this alteration is predicted to be deleterious by in silico analysis. Based on the available evidence, the clinical significance of this variant remains unclear.

NM_004612.4(TGFBR1):c.838T>G (p.Ser280Ala)

Gene: TGFBR1 (transforming growth factor beta receptor 1; plus strand). Cytogenetic location: 9q22.33.
Variant type: single nucleotide variant.
Coding change: c.838T>G on transcript NM_004612.4 (MANE Select); coding-DNA position 838, T replaced by G.
Protein change: p.Ser280Ala; replaces serine 280 with alanine.
Molecular consequence: missense variant. On other transcripts: non-coding transcript variant (4), intron variant (2).
Genome position (GRCh38, 1-based): chr9:99,142,568, T>G. VCF-style: chr9-99142568-T-G. GRCh37 (hg19) VCF-style: chr9-101904850-T-G.
Other names: c.607T>G, p.Ser203Ala (NM_001130916.3, NM_001407435.1); c.850T>G, p.Ser284Ala (NM_001306210.2); c.643T>G, p.Ser215Ala (NM_001407418.1, NM_001407419.1, NM_001407420.1 and 1 more transcripts); c.631T>G, p.Ser211Ala (NM_001407432.1, NM_001407433.1, NM_001407434.1 and 8 more transcripts); c.592T>G, p.Ser198Ala (NM_001407436.1); c.130T>G, p.Ser44Ala (NM_001407437.1); c.361T>G, p.Ser121Ala (NM_001407438.1); c.818-2164T>G (NM_001407416.1); and 1 more; short protein forms S121A, S203A, S211A, S280A, S284A, S44A, S198A, S215A.
Identifiers: ClinVar variation 4827070 (VCV004827070.1).